The following is an entry in ClinVar:

ClinVar aggregate classification (germline): Uncertain significance. Review status: criteria provided, multiple submitters, no conflicts (2 of 4 stars). 2 submissions from 2 submitters: Uncertain significance (2). Last evaluated 2023-07-27.

Allele frequency attached by ClinVar (database versions not stated): gnomAD exomes below 0.00001.
gnomAD v4.1: 1 of 1,595,844 alleles (0.000063%); highest among the groups gnomAD compares: Non-Finnish European, 0.000085%; no homozygotes.

Submissions (2):

GeneDx
Classification: Uncertain significance. Last evaluated: 2023-07-27. Review status: criteria provided, single submitter. Criteria: GeneDx Variant Classification Process June 2021. Collection method: clinical testing. Allele origin: germline. Affected: yes.
Comment: Not observed at significant frequency in large population cohorts (gnomAD); In silico analysis supports that this missense variant does not alter protein structure/function; Has not been previously published as pathogenic or benign to our knowledge; Reported using an alternate transcript of the gene

Laboratory for Molecular Medicine, Mass General Brigham Personalized Medicine
Classification: Uncertain significance. Last evaluated: 2016-06-09. Review status: criteria provided, single submitter. Criteria: LMM Criteria. Collection method: clinical testing. Allele origin: germline. Observed: 2 variant alleles.
Comment: The p.Pro567Ser variant in exon 18 of USH1C has not been previously reported in individuals with hearing loss or Usher syndrome, or in large population studies. Computational prediction tools and conservation analyses do not provide strong support for or against an impact to the protein. In summary, the clinical signif icance of the p.Pro567Ser variant is uncertain.

NM_153676.4(USH1C):c.1699C>T (p.Pro567Ser)

Gene: USH1C (USH1 protein network component harmonin; minus strand). Cytogenetic location: 11p15.1.
Variant type: single nucleotide variant.
Coding change: c.1699C>T on transcript NM_153676.4 (MANE Select); coding-DNA position 1699, C replaced by T.
Protein change: p.Pro567Ser; replaces proline 567 with serine.
Molecular consequence: missense variant. On other transcripts: intron variant (2).
Genome position (GRCh38, 1-based): chr11:17,509,670, G>A on the plus strand (C>T on the coding strand, the complement: USH1C is on the minus strand). VCF-style: chr11-17509670-G-A. GRCh37 (hg19) VCF-style: chr11-17531217-G-A.
Other names: c.1228-7690C>T (NM_001297764.2); c.1285-7690C>T (NM_005709.4); short protein forms P567S.
Identifiers: ClinVar variation 505083 (VCV000505083.6), dbSNP rs549628785, ClinGen allele CA379774620.